The following is an entry in ClinVar:

NM_016169.4(SUFU):c.1082T>C (p.Ile361Thr)

Gene: SUFU (SUFU negative regulator of hedgehog signaling; plus strand). Cytogenetic location: 10q24.32.
Variant type: single nucleotide variant.
Coding change: c.1082T>C on transcript NM_016169.4 (MANE Select); coding-DNA position 1082, T replaced by C.
Protein change: p.Ile361Thr; replaces isoleucine 361 with threonine.
Molecular consequence: missense variant.
Genome position (GRCh38, 1-based): chr10:102,615,327, T>C. VCF-style: chr10-102615327-T-C. GRCh37 (hg19) VCF-style: chr10-104375084-T-C.
Other names: c.1082T>C, p.Ile361Thr (NM_001178133.2); short protein forms I361T.
Identifiers: ClinVar variation 3369177 (VCV003369177.2).

ClinVar aggregate classification (germline): Uncertain significance. Review status: criteria provided, multiple submitters, no conflicts (2 of 4 stars). 2 submissions from 2 submitters: Uncertain significance (2). Last evaluated 2026-01-25.

Conditions:
Hereditary cancer-predisposing syndrome. Also called: Hereditary neoplastic syndrome; Tumor predisposition; Neoplastic Syndromes, Hereditary; Hereditary Cancer Syndrome. Identifiers: Orphanet 140162, MedGen C0027672, MeSH D009386, MONDO:0015356.

gnomAD v4.1: 1 of 1,614,148 alleles (0.000062%); highest among the groups gnomAD compares: Non-Finnish European, 0.000085%; no homozygotes.

Submissions (2):

Ambry Genetics
Classification: Uncertain significance for Hereditary cancer-predisposing syndrome. Last evaluated: 2026-01-25. Review status: criteria provided, single submitter. Criteria: Ambry Variant Classification Scheme 2023. Collection method: clinical testing. Allele origin: germline.
Comment: The p.I361T variant (also known as c.1082T>C), located in coding exon 9 of the SUFU gene, results from a T to C substitution at nucleotide position 1082. The isoleucine at codon 361 is replaced by threonine, an amino acid with similar properties. This amino acid position is conserved. In addition, this alteration is predicted to be tolerated by in silico analysis. Based on the available evidence, the clinical significance of this variant remains unclear.

GeneDx
Classification: Uncertain significance. Last evaluated: 2024-02-12. Review status: criteria provided, single submitter. Criteria: GeneDx Variant Classification Process June 2021. Collection method: clinical testing. Allele origin: germline. Affected: yes.
Comment: Not observed at significant frequency in large population cohorts (gnomAD); In silico analysis supports that this missense variant does not alter protein structure/function; Has not been previously published as pathogenic or benign to our knowledge